The following is an entry in ClinVar:

ClinVar aggregate classification (germline): Uncertain significance (0 of 4 stars; one submission).

Submission:

Leiden Open Variation Database
Classification: Uncertain significance. Last evaluated: 2016-04-14. Review status: no assertion criteria provided. Collection method: curation. Allele origin: germline. Affected: yes.
Comment: Curator: Arleen D. Auerbach. Submitter to LOVD: Florentine Hilbers.

Literature cited by the submitters: PubMed 23054243.

NM_005431.2(XRCC2):c.595A>C (p.Met199Leu)

Gene: XRCC2 (X-ray repair cross complementing 2; minus strand). Cytogenetic location: 7q36.1.
Variant type: single nucleotide variant.
Coding change: c.595A>C on transcript NM_005431.2 (MANE Select); coding-DNA position 595, A replaced by C.
Protein change: p.Met199Leu; replaces methionine 199 with leucine.
Molecular consequence: missense variant.
Genome position (GRCh38, 1-based): chr7:152,648,890, T>G on the plus strand (A>C on the coding strand, the complement: XRCC2 is on the minus strand). VCF-style: chr7-152648890-T-G. GRCh37 (hg19) VCF-style: chr7-152345975-T-G.
Other names: short protein forms M199L.
Identifiers: ClinVar variation 929632 (VCV000929632.1), dbSNP rs2098027257, ClinGen allele CA370198358.
Genomic context (GRCh38, chr7:152,648,890, plus strand): 5'-CATCACACAGTCGTCGAGAGGCATGAGAAGGTTCTTCTGATGAGCTCGAGGCTTTCTGCA[T>G]TATAGTTTGTGTCGTTGCAAAAAGAACCAGGCGATAGTCATTTACAAGCTTCTCTAAGCA-3'
Protein context (NP_005422.1, residues 189-209): LVLFATTQTI[Met199Leu]QKASSSSEEP